The following is an entry in ClinVar:

NM_001085411.3(NADK2):c.1305T>G (p.Leu435=)

Gene: NADK2 (NAD kinase 2, mitochondrial; minus strand). Cytogenetic location: 5p13.2.
Variant type: single nucleotide variant.
Coding change: c.1305T>G on transcript NM_001085411.3 (MANE Select); coding-DNA position 1305, T replaced by G.
Protein change: p.Leu435=; no amino-acid change (leucine 435 retained).
Molecular consequence: synonymous variant.
Genome position (GRCh38, 1-based): chr5:36,195,168, A>C on the plus strand (T>G on the coding strand, the complement: NADK2 is on the minus strand). VCF-style: chr5-36195168-A-C. GRCh37 (hg19) VCF-style: chr5-36195270-A-C.
Other names: c.816T>G, p.Leu272= (NM_001287340.2, NM_153013.5); c.882T>G, p.Leu294= (NM_001287341.2).
Identifiers: ClinVar variation 3026372 (VCV003026372.22), dbSNP rs1746181564, ClinGen allele CA443897220.

ClinVar aggregate classification (germline): Likely benign (1 of 4 stars; one submission).

Allele frequency attached by ClinVar (database versions not stated): gnomAD exomes below 0.00001; gnomAD 0.00001.
gnomAD v4.1: 5 of 1,612,490 alleles (0.00031%); highest among the groups gnomAD compares: South Asian, 0.0022%; no homozygotes.

Submission:

CeGaT Center for Human Genetics Tuebingen
Classification: Likely benign. Last evaluated: 2024-01-01. Review status: criteria provided, single submitter. Criteria: CeGaT Center For Human Genetics Tuebingen Variant Classification Criteria Version 2. Collection method: clinical testing. Allele origin: germline. Affected: yes. Observed: 1 variant allele.
Comment: NADK2: BP4, BP7